The following is an entry in ClinVar:

NM_013275.6(ANKRD11):c.6271C>T (p.Gln2091Ter)

Gene: ANKRD11 (ankyrin repeat domain 11; minus strand). Cytogenetic location: 16q24.3.
Variant type: single nucleotide variant.
Coding change: c.6271C>T on transcript NM_013275.6 (MANE Select); coding-DNA position 6271, C replaced by T.
Protein change: p.Gln2091Ter; replaces glutamine 2091 with a stop codon.
Molecular consequence: nonsense.
Genome position (GRCh38, 1-based): chr16:89,280,271, G>A on the plus strand (C>T on the coding strand, the complement: ANKRD11 is on the minus strand). VCF-style: chr16-89280271-G-A. GRCh37 (hg19) VCF-style: chr16-89346679-G-A.
Other names: c.6271C>T, p.Gln2091Ter (NM_001256182.2, NM_001256183.2); short protein forms Q2091*.
Identifiers: ClinVar variation 4888165 (VCV004888165.1).

ClinVar aggregate classification (germline): Pathogenic (1 of 4 stars; one submission).

Submission:

GeneDx
Classification: Pathogenic. Last evaluated: 2026-02-12. Review status: criteria provided, single submitter. Criteria: GeneDx Variant Classification Process June 2021. Collection method: clinical testing. Allele origin: germline.
Comment: Nonsense variant predicted to result in protein truncation or nonsense mediated decay in a gene for which loss of function is a known mechanism of disease; Not observed at significant frequency in large population cohorts (gnomAD); This variant is associated with the following publications: (PMID: 34490615)